The following is an entry in ClinVar:

NM_002168.4(IDH2):c.562C>G (p.Arg188Gly)

Gene: IDH2 (isocitrate dehydrogenase (NADP(+)) 2; minus strand). Cytogenetic location: 15q26.1.
Variant type: single nucleotide variant.
Coding change: c.562C>G on transcript NM_002168.4 (MANE Select); coding-DNA position 562, C replaced by G.
Protein change: p.Arg188Gly; replaces arginine 188 with glycine.
Molecular consequence: missense variant.
Genome position (GRCh38, 1-based): chr15:90,088,475, G>C on the plus strand (C>G on the coding strand, the complement: IDH2 is on the minus strand). VCF-style: chr15-90088475-G-C. GRCh37 (hg19) VCF-style: chr15-90631707-G-C.
Other names: c.406C>G, p.Arg136Gly (NM_001289910.1); c.172C>G, p.Arg58Gly (NM_001290114.2); short protein forms R136G, R188G, R58G.
Identifiers: ClinVar variation 4691789 (VCV004691789.1).

ClinVar aggregate classification (germline): Uncertain significance (1 of 4 stars; one submission).

Conditions:
D-2-hydroxyglutaric aciduria 2 (D2HGA2). Identifiers: Orphanet 79315, MedGen C3150909, MONDO:0013345, OMIM 613657.

Submission:

Labcorp Genetics (formerly Invitae), Labcorp
Classification: Uncertain significance for D-2-hydroxyglutaric aciduria 2. Last evaluated: 2025-08-01. Review status: criteria provided, single submitter. Criteria: Invitae Variant Classification Sherloc (09022015). Collection method: clinical testing. Allele origin: germline.
Comment: This sequence change replaces arginine, which is basic and polar, with glycine, which is neutral and non-polar, at codon 188 of the IDH2 protein (p.Arg188Gly). This variant is not present in population databases (gnomAD no frequency). This variant has not been reported in the literature in individuals affected with IDH2-related conditions. An algorithm developed to predict the effect of missense changes on protein structure and function (PolyPhen-2) suggests that this variant is likely to be tolerated. In summary, the available evidence is currently insufficient to determine the role of this variant in disease. Therefore, it has been classified as a Variant of Uncertain Significance.